The following is an entry in ClinVar:

ClinVar aggregate classification (germline): Benign. Review status: criteria provided, multiple submitters, no conflicts (2 of 4 stars). 13 submissions from 12 submitters: Benign (9). 4 of the submissions do not count toward it. Last evaluated 2026-02-04.

Conditions:
Aortic valve disease 1 (AOVD1). Identifiers: MedGen C3887892, MONDO:0024523, OMIM 109730.
Adams-Oliver syndrome 5 (AOS5). Identifiers: Orphanet 974, MedGen C4014970, MONDO:0014459, OMIM 616028.

Allele frequency attached by ClinVar (database versions not stated): ESP Exome Variant Server 0.42800; gnomAD 0.47945 and 0.48034; TOPMed 0.49116; ExAC 0.54814; 1000 Genomes Project 30x 0.60509; 1000 Genomes Project 0.60543.
gnomAD v4.1: 583,559 of 1,555,990 alleles (38%); highest among the groups gnomAD compares: East Asian, 86%; 122,663 homozygotes.

Submissions (13):

Labcorp Genetics (formerly Invitae), Labcorp
Classification: Benign for Adams-Oliver syndrome 5. Last evaluated: 2026-02-04. Review status: criteria provided, single submitter. Criteria: Invitae Variant Classification Sherloc (09022015). Collection method: clinical testing. Allele origin: germline.

Blueprint Genetics
Classification: Benign. Last evaluated: 2024-11-27. Review status: criteria provided, single submitter. Criteria: ACMG Guidelines, 2015. Collection method: clinical testing. Allele origin: germline.

Women's Health and Genetics/Laboratory Corporation of America, LabCorp
Classification: Benign. Last evaluated: 2023-04-04. Review status: criteria provided, single submitter. Criteria: LabCorp Variant Classification Summary - May 2015. Collection method: clinical testing. Allele origin: germline.

Genome-Nilou Lab
Classification: Benign for Adams-Oliver syndrome 5. Last evaluated: 2021-09-05. Review status: criteria provided, single submitter. Criteria: ACMG Guidelines, 2015. Collection method: clinical testing. Allele origin: germline. Affected: no.

Genome-Nilou Lab
Classification: Benign for Aortic valve disease 1. Last evaluated: 2021-09-05. Review status: criteria provided, single submitter. Criteria: ACMG Guidelines, 2015. Collection method: clinical testing. Allele origin: germline. Affected: no.

Mayo Clinic Laboratories, Mayo Clinic
Classification: Benign. Last evaluated: 2017-11-10. Review status: criteria provided, single submitter. Criteria: ACMG Guidelines, 2015. Collection method: clinical testing. Allele origin: germline. Observed: 902 variant alleles.

GeneDx
Classification: Benign. Last evaluated: 2016-09-22. Review status: criteria provided, single submitter. Criteria: GeneDx Variant Classification (06012015). Collection method: clinical testing. Allele origin: germline. Affected: yes.
Comment: This variant is considered likely benign or benign based on one or more of the following criteria: it is a conservative change, it occurs at a poorly conserved position in the protein, it is predicted to be benign by multiple in silico algorithms, and/or has population frequency not consistent with disease.

Eurofins Ntd Llc (ga)
Classification: Benign. Last evaluated: 2016-02-05. Review status: criteria provided, single submitter. Criteria: EGL Classification Definitions 2015. Collection method: clinical testing. Allele origin: germline. Observed: 3 variant alleles, 2 heterozygotes, 1 homozygote.

Breakthrough Genomics
Classification: Benign. Review status: criteria provided, single submitter. Criteria: ACMG Guidelines, 2015. Collection method: not provided. Allele origin: germline. Inheritance: Autosomal dominant inheritance. Affected: yes.

Clinical Genetics, Academic Medical Center
Classification: Benign. Review status: no assertion criteria provided. Collection method: clinical testing. Allele origin: germline. Affected: yes. Study: VKGL Data-share Consensus. Not counted in ClinVar's aggregate classification.

Diagnostic Laboratory, Department of Genetics, University Medical Center Groningen
Classification: Likely benign for Aortic valve disease 1. Review status: no assertion criteria provided. Collection method: clinical testing. Allele origin: germline. Affected: yes. Study: VKGL Data-share Consensus. Not counted in ClinVar's aggregate classification.

Genome Diagnostics Laboratory, Amsterdam University Medical Center
Classification: Benign. Review status: no assertion criteria provided. Collection method: clinical testing. Allele origin: germline. Affected: yes. Study: VKGL Data-share Consensus. Not counted in ClinVar's aggregate classification.

Joint Genome Diagnostic Labs from Nijmegen and Maastricht, Radboudumc and MUMC+
Classification: Benign. Review status: no assertion criteria provided. Collection method: clinical testing. Allele origin: germline. Affected: yes. Study: VKGL Data-share Consensus. Not counted in ClinVar's aggregate classification.

Literature cited by the submitters: PubMed 16614245 (cited by Women's Health and Genetics/Laboratory Corporation of America, LabCorp); PubMed 19635999 (cited by Women's Health and Genetics/Laboratory Corporation of America, LabCorp); PubMed 19245433 (cited by Women's Health and Genetics/Laboratory Corporation of America, LabCorp); PubMed 22858860 (cited by Women's Health and Genetics/Laboratory Corporation of America, LabCorp).

NM_017617.5(NOTCH1):c.1555+10A>G

Gene: NOTCH1 (notch receptor 1; minus strand). Cytogenetic location: 9q34.3.
Variant type: single nucleotide variant.
Coding change: c.1555+10A>G on transcript NM_017617.5 (MANE Select); 10 bases into the intron after coding-DNA position 1555, A replaced by G.
Molecular consequence: intron variant.
Genome position (GRCh38, 1-based): chr9:136,517,262, T>C on the plus strand (A>G on the coding strand, the complement: NOTCH1 is on the minus strand). VCF-style: chr9-136517262-T-C. GRCh37 (hg19) VCF-style: chr9-139411714-T-C.
Other names: p.?; c.1555+10A>G (LRG_1122t1, NM_017617.4).
Identifiers: ClinVar variation 286181 (VCV000286181.24), dbSNP rs11145767, ClinGen allele CA5341745.